The following is an entry in ClinVar:

NM_002241.5(KCNJ10):c.725C>T (p.Thr242Ile)

Gene: KCNJ10 (potassium inwardly rectifying channel subfamily J member 10; minus strand). Cytogenetic location: 1q23.2.
Variant type: single nucleotide variant.
Coding change: c.725C>T on transcript NM_002241.5 (MANE Select); coding-DNA position 725, C replaced by T.
Protein change: p.Thr242Ile; replaces threonine 242 with isoleucine.
Molecular consequence: missense variant.
Genome position (GRCh38, 1-based): chr1:160,041,808, G>A on the plus strand (C>T on the coding strand, the complement: KCNJ10 is on the minus strand). VCF-style: chr1-160041808-G-A. GRCh37 (hg19) VCF-style: chr1-160011598-G-A.
Other names: short protein forms T242I.
Identifiers: ClinVar variation 1054232 (VCV001054232.9), dbSNP rs2101924787, ClinGen allele CA343225721.

ClinVar aggregate classification (germline): Uncertain significance (1 of 4 stars; one submission).

Conditions:
EAST syndrome (SESAMES). Also called: SEIZURES, SENSORINEURAL DEAFNESS, ATAXIA, IMPAIRED INTELLECTUAL DEVELOPMENT, AND ELECTROLYTE IMBALANCE. Identifiers: Orphanet 199343, MedGen C2748572, MONDO:0013005, OMIM 612780.

Submission:

Labcorp Genetics (formerly Invitae), Labcorp
Classification: Uncertain significance for EAST syndrome. Last evaluated: 2020-09-01. Review status: criteria provided, single submitter. Criteria: Invitae Variant Classification Sherloc (09022015). Collection method: clinical testing. Allele origin: germline.
Comment: In summary, the available evidence is currently insufficient to determine the role of this variant in disease. Therefore, it has been classified as a Variant of Uncertain Significance. Algorithms developed to predict the effect of missense changes on protein structure and function are either unavailable or do not agree on the potential impact of this missense change (SIFT: "Tolerated"; PolyPhen-2: "Possibly Damaging"; Align-GVGD: "Class C0"). This variant has not been reported in the literature in individuals with KCNJ10-related conditions. This variant is not present in population databases (ExAC no frequency). This sequence change replaces threonine with isoleucine at codon 242 of the KCNJ10 protein (p.Thr242Ile). The threonine residue is highly conserved and there is a moderate physicochemical difference between threonine and isoleucine.